The following is an entry in ClinVar:

NM_000059.4(BRCA2):c.1852G>C (p.Ala618Pro)

Gene: BRCA2 (BRCA2 DNA repair associated; plus strand). Cytogenetic location: 13q13.1.
Variant type: single nucleotide variant.
Coding change: c.1852G>C on transcript NM_000059.4 (MANE Select); coding-DNA position 1852, G replaced by C.
Protein change: p.Ala618Pro; replaces alanine 618 with proline.
Molecular consequence: missense variant.
Genome position (GRCh38, 1-based): chr13:32,333,330, G>C. VCF-style: chr13-32333330-G-C. GRCh37 (hg19) VCF-style: chr13-32907467-G-C.
Other names: short protein forms A618P.
Identifiers: ClinVar variation 51214 (VCV000051214.4), dbSNP rs80358475, ClinGen allele CA013594.

ClinVar aggregate classification (germline): Likely benign. Review status: criteria provided, single submitter (1 of 4 stars). 2 submissions from 2 submitters: Likely benign (1). 1 of the submissions does not count toward it. Last evaluated 2023-03-23.

Conditions:
Breast-ovarian cancer, familial, susceptibility to, 2 (BROVCA2). Also called: BRCA2 Hereditary Breast and Ovarian Cancer. Identifiers: Orphanet 145, MedGen C2675520, MONDO:0012933, OMIM 612555. Disease mechanism: loss of function.
Hereditary cancer-predisposing syndrome. Also called: Neoplastic Syndromes, Hereditary; Tumor predisposition; Hereditary Cancer Syndrome; Hereditary neoplastic syndrome. Identifiers: Orphanet 140162, MedGen C0027672, MeSH D009386, MONDO:0015356.

Submissions (2):

University of Washington Department of Laboratory Medicine, University of Washington
Classification: Likely benign for Hereditary cancer-predisposing syndrome. Last evaluated: 2023-03-23. Review status: criteria provided, single submitter. Criteria: Dines et al. (Genet Med. 2020). Collection method: curation. Allele origin: germline.
Comment: Missense variant in a coldspot region where missense variants are very unlikely to be pathogenic (PMID:31911673).

BRCA2 exon 10 coldspot. Reclassification based on statistical prior probability.

Breast Cancer Information Core (BIC) (BRCA2)
Classification: Uncertain significance for Breast-ovarian cancer, familial 2. Review status: no assertion criteria provided. Collection method: clinical testing. Allele origin: germline. Affected: yes. Observed: 1 variant allele. Not counted in ClinVar's aggregate classification.